The following is an entry in ClinVar:

ClinVar aggregate classification (germline): Uncertain significance (1 of 4 stars; one submission).

Conditions:
Arrhythmogenic right ventricular dysplasia 5. Also called: Arrhythmogenic Right Ventricular Dysplasia/Cardiomyopathy 5; ARRHYTHMOGENIC RIGHT VENTRICULAR DYSPLASIA, FAMILIAL, 5. Identifiers: MedGen C1858379, MONDO:0011459, OMIM 604400.

Submission:

Labcorp Genetics (formerly Invitae), Labcorp
Classification: Uncertain significance for Arrhythmogenic right ventricular dysplasia 5. Last evaluated: 2026-01-27. Review status: criteria provided, single submitter. Criteria: Invitae Variant Classification Sherloc (09022015). Collection method: clinical testing. Allele origin: germline.
Comment: This sequence change replaces glutamine, which is neutral and polar, with histidine, which is basic and polar, at codon 123 of the TMEM43 protein (p.Gln123His). This variant is not present in population databases (gnomAD no frequency). This variant has not been reported in the literature in individuals affected with TMEM43-related conditions. Invitae Evidence Modeling of protein sequence and biophysical properties (such as structural, functional, and spatial information, amino acid conservation, physicochemical variation, residue mobility, and thermodynamic stability) indicates that this missense variant is expected to disrupt TMEM43 protein function with a positive predictive value of 80%. In summary, the available evidence is currently insufficient to determine the role of this variant in disease. Therefore, it has been classified as a Variant of Uncertain Significance.

NM_024334.3(TMEM43):c.369A>C (p.Gln123His)

Gene: TMEM43 (transmembrane protein 43; plus strand). Cytogenetic location: 3p25.1.
Variant type: single nucleotide variant.
Coding change: c.369A>C on transcript NM_024334.3 (MANE Select); coding-DNA position 369, A replaced by C.
Protein change: p.Gln123His; replaces glutamine 123 with histidine.
Molecular consequence: missense variant.
Genome position (GRCh38, 1-based): chr3:14,131,651, A>C. VCF-style: chr3-14131651-A-C. GRCh37 (hg19) VCF-style: chr3-14173151-A-C.
Other names: c.369A>C, p.Gln123His (NM_001407277.1, NM_001407279.1, NM_001407274.1 and 2 more transcripts); c.354A>C, p.Gln118His (NM_001407278.1); c.219A>C, p.Gln73His (NM_001407280.1); short protein forms Q118H, Q123H, Q73H.
Identifiers: ClinVar variation 4769620 (VCV004769620.1).